The following is an entry in ClinVar:

ClinVar aggregate classification (germline): Uncertain significance (1 of 4 stars; one submission).

Conditions:
Supravalvar aortic stenosis (SVAS). Also called: Supravalvar aortic stenosis, Eisenberg type. Identifiers: Orphanet 3193, MedGen C0003499, MONDO:0008504, OMIM 185500, HP:0004381.

Allele frequency attached by ClinVar (database versions not stated): gnomAD exomes below 0.00001; TOPMed below 0.00001.
gnomAD v4.1: 1 of 1,614,088 alleles (0.000062%); no homozygotes.

Submission:

Labcorp Genetics (formerly Invitae), Labcorp
Classification: Uncertain significance for Supravalvar aortic stenosis. Last evaluated: 2023-12-25. Review status: criteria provided, single submitter. Criteria: Invitae Variant Classification Sherloc (09022015). Collection method: clinical testing. Allele origin: germline.
Comment: This sequence change falls in intron 32 of the ELN gene. It does not directly change the encoded amino acid sequence of the ELN protein. It affects a nucleotide within the consensus splice site. This variant is not present in population databases (gnomAD no frequency). This variant has not been reported in the literature in individuals affected with ELN-related conditions. ClinVar contains an entry for this variant (Variation ID: 2053098). Variants that disrupt the consensus splice site are a relatively common cause of aberrant splicing (PMID: 17576681, 9536098). Algorithms developed to predict the effect of sequence changes on RNA splicing suggest that this variant is not likely to affect RNA splicing. In summary, the available evidence is currently insufficient to determine the role of this variant in disease. Therefore, it has been classified as a Variant of Uncertain Significance.

Literature cited by the submitters: PubMed 17576681; PubMed 9536098.

NM_000501.4(ELN):c.2086+4G>A

Gene: ELN (elastin; plus strand). Cytogenetic location: 7q11.23.
Variant type: single nucleotide variant.
Coding change: c.2086+4G>A on transcript NM_000501.4 (MANE Select); 4 bases into the intron after coding-DNA position 2086, G replaced by A.
Molecular consequence: intron variant.
Genome position (GRCh38, 1-based): chr7:74,066,001, G>A. VCF-style: chr7-74066001-G-A. GRCh37 (hg19) VCF-style: chr7-73480331-G-A.
Other names: c.2047+269G>A (NM_001081754.3); c.1990+269G>A (NM_001081753.3); c.2272+4G>A (NM_001278939.2); c.2104+4G>A (NM_001278915.2); c.2032+269G>A (NM_001278912.2); c.2029+4G>A (NM_001081755.3); c.1888+269G>A (NM_001278916.2); c.1843+4G>A (NM_001278913.2); and 4 more.
Identifiers: ClinVar variation 2053098 (VCV002053098.4), dbSNP rs1797859564, ClinGen allele CA1717352050.